The following is an entry in ClinVar:

ClinVar aggregate classification (germline): Likely benign (1 of 4 stars; one submission).

Submission:

GeneDx
Classification: Likely benign. Last evaluated: 2021-05-22. Review status: criteria provided, single submitter. Criteria: GeneDx Variant Classification Process June 2021. Collection method: clinical testing. Allele origin: germline. Affected: yes.
Comment: See Variant Classification Assertion Criteria.

NM_001025616.3(ARHGAP24):c.-20-157TCTT[4]

Gene: ARHGAP24 (Rho GTPase activating protein 24; plus strand). Cytogenetic location: 4q21.23.
Variant type: Microsatellite.
Coding change: c.-20-157TCTT[4] on transcript NM_001025616.3 (MANE Select); four copies in a row of the 4-base unit TCTT starting at c.-20-157.
Molecular consequence: intron variant.
Genome position: GRCh38, VCF-style position (the base before the change): chr4:85,570,364. GRCh37 (hg19), VCF-style position (the base before the change): chr4:86,491,517.
Identifiers: ClinVar variation 1706919 (VCV001706919.2), dbSNP rs56272553, ClinGen allele CA553015459.